The following is an entry in ClinVar:

ClinVar aggregate classification (germline): Conflicting classifications of pathogenicity. Review status: criteria provided, conflicting classifications (1 of 4 stars). 13 submissions from 13 submitters: Uncertain significance (3); Likely benign (6). 4 of the submissions do not count toward it. Last evaluated 2026-03-01.

Conditions:
Inborn genetic diseases. Identifiers: MedGen C0950123, MeSH D030342.
SPG11-related disorder. Also called: SPG11-related condition.
Amyotrophic lateral sclerosis type 5 (ALS5). Also called: AMYOTROPHIC LATERAL SCLEROSIS 5, JUVENILE. Identifiers: Orphanet 300605, MedGen C1865864, MONDO:0011196, OMIM 602099.
Amyotrophic lateral sclerosis (ALS). Also called: Charcot disease; Lou Gehrig disease. Identifiers: Orphanet 803, MedGen C0002736, MONDO:0004976, HP:0007354.
Hereditary spastic paraplegia. Also called: Familial spastic paraparesis. Identifiers: Orphanet 685, MedGen C0037773, MONDO:0019064. Disease mechanism: loss of function.
Hereditary spastic paraplegia 11. Also called: SPASTIC PARAPLEGIA, AUTOSOMAL RECESSIVE, COMPLICATED, WITH THIN CORPUS CALLOSUM; SPASTIC PARAPLEGIA, AUTOSOMAL RECESSIVE, WITH MENTAL IMPAIRMENT AND THIN CORPUS CALLOSUM; Spastic Paraplegia 11; Nakamura Osame syndrome; Autosomal recessive hereditary spastic paraplegia, mental impairment, and thin corpus callosum; Spastic paraplegia, mental retardation and thin corpus callosum. Identifiers: Orphanet 2822, MedGen C1858479, MONDO:0011445, OMIM 604360.

Allele frequency attached by ClinVar (database versions not stated): gnomAD exomes 0.00039; ExAC 0.00045; 1000 Genomes Project 0.00140; 1000 Genomes Project 30x 0.00141; ESP Exome Variant Server 0.00162; TOPMed 0.00166; gnomAD 0.00175.
gnomAD v4.1: 485 of 1,613,972 alleles (0.03%); highest among the groups gnomAD compares: African/African-American, 0.56%; no homozygotes.

Submissions (13):

CeGaT Center for Human Genetics Tuebingen
Classification: Likely benign. Last evaluated: 2026-03-01. Review status: criteria provided, single submitter. Criteria: CeGaT Center For Human Genetics Tuebingen Variant Classification Criteria Version 2. Collection method: clinical testing. Allele origin: germline. Affected: yes. Observed: 4 variant alleles.
Comment: SPG11: BP4

Genetic Diseases Diagnostic Center, Koc University Hospital
Classification: Likely benign for Amyotrophic lateral sclerosis type 5. Last evaluated: 2026-01-31. Review status: criteria provided, single submitter. Criteria: ACMG Guidelines, 2015. Collection method: clinical testing. Allele origin: biparental. Inheritance: Autosomal recessive inheritance. Affected: no.
Comment: This variant causes an amino acid change at position 2253 from Asp to Glu both of which are acidic amino acids. In silico prediction tools predict a benign effect for this variant (BP4). Allele frequency is greater than expected for disorder (gnomAD maximal non founder subpopulations frequency: 0.549%) (BS1). To the best of our knowledge, this variant has not been reported in affected patients. Thus, this variant is classified as likely benign based on the ACMG/AMP criteria.

Labcorp Genetics (formerly Invitae), Labcorp
Classification: Likely benign for Hereditary spastic paraplegia 11. Last evaluated: 2026-01-31. Review status: criteria provided, single submitter. Criteria: Invitae Variant Classification Sherloc (09022015). Collection method: clinical testing. Allele origin: germline.

Mayo Clinic Laboratories, Mayo Clinic
Classification: Likely benign. Last evaluated: 2024-11-27. Review status: criteria provided, single submitter. Criteria: ACMG Guidelines, 2015. Collection method: clinical testing. Allele origin: germline. Observed: 1 variant allele.
Comment: BS1, BP4

UM ALS/MND Lab, University Of Malta
Classification: Uncertain significance for Amyotrophic lateral sclerosis. Last evaluated: 2020-09-09. Review status: criteria provided, single submitter. Criteria: ACMG Guidelines, 2015. Collection method: case-control. Allele origin: unknown. Affected: yes. Observed: 1 variant allele.
Comment: Single heterozygote

Ambry Genetics
Classification: Likely benign for Inborn genetic diseases. Last evaluated: 2019-11-22. Review status: criteria provided, single submitter. Criteria: Ambry Variant Classification Scheme 2023. Collection method: clinical testing. Allele origin: germline.

GeneDx
Classification: Likely benign. Last evaluated: 2019-01-29. Review status: criteria provided, single submitter. Criteria: GeneDx Variant Classification (06012015). Collection method: clinical testing. Allele origin: germline. Affected: yes.

Genome Diagnostics Laboratory, The Hospital for Sick Children
Classification: Uncertain significance for Hereditary spastic paraplegia. Last evaluated: 2017-06-23. Review status: criteria provided, single submitter. Criteria: ACMG Guidelines, 2015. Collection method: clinical testing. Allele origin: germline. Affected: yes.

Center for Pediatric Genomic Medicine, Children's Mercy Hospital and Clinics
Classification: Uncertain significance. Last evaluated: 2016-04-25. Review status: criteria provided, single submitter. Criteria: ACMG Guidelines, 2015. Collection method: clinical testing. Allele origin: germline.
ClinVar note: Converted during submission from Uncertain Significance to Uncertain significance.

PreventionGenetics, part of Exact Sciences
Classification: Likely benign for SPG11-related condition. Last evaluated: 2020-02-14. Review status: no assertion criteria provided. Collection method: clinical testing. Allele origin: germline. Not counted in ClinVar's aggregate classification.
Comment: This variant is classified as likely benign based on ACMG/AMP sequence variant interpretation guidelines (Richards et al. 2015 PMID: 25741868, with internal and published modifications).

Clinical Genetics DNA and cytogenetics Diagnostics Lab, Erasmus MC, Erasmus Medical Center
Classification: Likely benign. Review status: no assertion criteria provided. Collection method: clinical testing. Allele origin: germline. Affected: yes. Study: VKGL Data-share Consensus. Not counted in ClinVar's aggregate classification.

Clinical Genetics, Academic Medical Center
Classification: Likely benign. Review status: no assertion criteria provided. Collection method: clinical testing. Allele origin: germline. Affected: yes. Study: VKGL Data-share Consensus. Not counted in ClinVar's aggregate classification.

Genome Diagnostics Laboratory, Amsterdam University Medical Center
Classification: Likely benign. Review status: no assertion criteria provided. Collection method: clinical testing. Allele origin: germline. Affected: yes. Study: VKGL Data-share Consensus. Not counted in ClinVar's aggregate classification.

NM_025137.4(SPG11):c.6759C>G (p.Asp2253Glu)

Gene: SPG11 (SPG11 vesicle trafficking associated, spatacsin; minus strand). Cytogenetic location: 15q21.1.
Variant type: single nucleotide variant.
Coding change: c.6759C>G on transcript NM_025137.4 (MANE Select); coding-DNA position 6759, C replaced by G.
Protein change: p.Asp2253Glu; replaces aspartic acid 2253 with glutamic acid.
Molecular consequence: missense variant.
Genome position (GRCh38, 1-based): chr15:44,566,301, G>C on the plus strand (C>G on the coding strand, the complement: SPG11 is on the minus strand). VCF-style: chr15-44566301-G-C. GRCh37 (hg19) VCF-style: chr15-44858499-G-C.
Other names: p.Asp2253Glu; c.6420C>G, p.Asp2140Glu (NM_001160227.2); short protein forms D2253E, D2140E.
Identifiers: ClinVar variation 235362 (VCV000235362.52), dbSNP rs141818132, ClinGen allele CA7534007.